The following is an entry in ClinVar:

NM_021629.4(GNB4):c.641G>T (p.Arg214Leu)

Gene: GNB4 (G protein subunit beta 4; minus strand). Cytogenetic location: 3q26.33.
Variant type: single nucleotide variant.
Coding change: c.641G>T on transcript NM_021629.4 (MANE Select); coding-DNA position 641, G replaced by T.
Protein change: p.Arg214Leu; replaces arginine 214 with leucine.
Molecular consequence: missense variant.
Genome position (GRCh38, 1-based): chr3:179,413,470, C>A on the plus strand (G>T on the coding strand, the complement: GNB4 is on the minus strand). VCF-style: chr3-179413470-C-A. GRCh37 (hg19) VCF-style: chr3-179131258-C-A.
Other names: short protein forms R214L.
Identifiers: ClinVar variation 3640443 (VCV003640443.2).
Genomic context (GRCh38, chr3:179,413,470, plus strand): 5'-ACACTGACAGCATTGATATCTGAGACATGTCCCGTGAAAGACTGTCTACACATTCCATCT[C>A]GAATATCCCATAATTTGGAAGAGGCATCACAAGCACCAGAAACAAAAGTCCTCATGTCAG-3'
Protein context (NP_067642.1, residues 204-224): CDASSKLWDI[Arg214Leu]DGMCRQSFTG

ClinVar aggregate classification (germline): Uncertain significance (1 of 4 stars; one submission).

Conditions:
Charcot-Marie-Tooth disease dominant intermediate F. Identifiers: Orphanet 352670, MedGen C4749463, MONDO:0014074, OMIM 615185.

Submission:

Labcorp Genetics (formerly Invitae), Labcorp
Classification: Uncertain significance for Charcot-Marie-Tooth disease dominant intermediate F. Last evaluated: 2024-02-13. Review status: criteria provided, single submitter. Criteria: Invitae Variant Classification Sherloc (09022015). Collection method: clinical testing. Allele origin: germline.
Comment: This sequence change replaces arginine, which is basic and polar, with leucine, which is neutral and non-polar, at codon 214 of the GNB4 protein (p.Arg214Leu). This variant is not present in population databases (gnomAD no frequency). This variant has not been reported in the literature in individuals affected with GNB4-related conditions. Advanced modeling of protein sequence and biophysical properties (such as structural, functional, and spatial information, amino acid conservation, physicochemical variation, residue mobility, and thermodynamic stability) performed at Invitae indicates that this missense variant is expected to disrupt GNB4 protein function with a positive predictive value of 80%. In summary, the available evidence is currently insufficient to determine the role of this variant in disease. Therefore, it has been classified as a Variant of Uncertain Significance.